The following is an entry in ClinVar:

ClinVar aggregate classification (germline): Uncertain significance (1 of 4 stars; one submission).

Submission:

Labcorp Genetics (formerly Invitae), Labcorp
Classification: Uncertain significance. Last evaluated: 2024-03-21. Review status: criteria provided, single submitter. Criteria: Invitae Variant Classification Sherloc (09022015). Collection method: clinical testing. Allele origin: germline.
Comment: This sequence change replaces proline, which is neutral and non-polar, with alanine, which is neutral and non-polar, at codon 458 of the DIP2C protein (p.Pro458Ala). This variant is not present in population databases (gnomAD no frequency). This variant has not been reported in the literature in individuals affected with DIP2C-related conditions. An algorithm developed to predict the effect of missense changes on protein structure and function (PolyPhen-2) suggests that this variant is likely to be tolerated. In summary, the available evidence is currently insufficient to determine the role of this variant in disease. Therefore, it has been classified as a Variant of Uncertain Significance.

NM_014974.3(DIP2C):c.1372C>G (p.Pro458Ala)

Gene: DIP2C (DIP2 acetate--CoA ligase C (putative); minus strand). Cytogenetic location: 10p15.3.
Variant type: single nucleotide variant.
Coding change: c.1372C>G on transcript NM_014974.3 (MANE Select); coding-DNA position 1372, C replaced by G.
Protein change: p.Pro458Ala; replaces proline 458 with alanine.
Molecular consequence: missense variant.
Genome position (GRCh38, 1-based): chr10:390,752, G>C on the plus strand (C>G on the coding strand, the complement: DIP2C is on the minus strand). VCF-style: chr10-390752-G-C. GRCh37 (hg19) VCF-style: chr10-436692-G-C.
Other names: short protein forms P458A.
Identifiers: ClinVar variation 3677850 (VCV003677850.2).
Genomic context (GRCh38, chr10:390,752, plus strand): 5'-CTGACAAAGGACGTGGGCATGCGAGCTCTCGGAGGCTCGGTGGCTTACCTTTAAACTGTG[G>C]GATCTCTCCCGTTGGGCTTTTTGGAAGTCCTTTATGGCAGGCGTCACTAGTCAAGGCTAC-3'
Protein context (NP_055789.1, residues 448-468): GLPKSPTGEI[Pro458Ala]QFKGWPKLLW